The following is an entry in ClinVar:

NM_015175.3(NBEAL2):c.7134G>A (p.Glu2378=)

Gene: NBEAL2 (neurobeachin like 2; plus strand). Cytogenetic location: 3p21.31.
Variant type: single nucleotide variant.
Coding change: c.7134G>A on transcript NM_015175.3 (MANE Select); coding-DNA position 7134, G replaced by A.
Protein change: p.Glu2378=; no amino-acid change (glutamic acid 2378 retained).
Molecular consequence: synonymous variant.
Genome position (GRCh38, 1-based): chr3:47,006,449, G>A. VCF-style: chr3-47006449-G-A. GRCh37 (hg19) VCF-style: chr3-47047939-G-A.
Other names: c.7032G>A, p.Glu2344= (NM_001365116.2).
Identifiers: ClinVar variation 982288 (VCV000982288.1), dbSNP rs1320380958, ClinGen allele CA433479264.
Genomic context (GRCh38, chr3:47,006,449, plus strand): 5'-GGACACTAACTCACCTAGCATCTTCCAGCACCTGGACGAACTCAAGGCATTCTTCGCAGA[G>A]GTGAAAGGAAGACAAGACCTCAACTTTATATTCTGTGAAATGGGTTTAACCCCACTGTCC-3'
Protein context (NP_055990.1, residues 2368-2388): HLDELKAFFA[Glu2378=]VVSDGVPLVL

ClinVar aggregate classification (germline): Uncertain significance (1 of 4 stars; one submission).

Conditions:
Gray platelet syndrome (GPS). Also called: BLEEDING DISORDER, PLATELET-TYPE, 4. Identifiers: Orphanet 721, MedGen C0272302, MONDO:0007686, OMIM 139090.

Allele frequency attached by ClinVar (database versions not stated): TOPMed below 0.00001; gnomAD 0.00001.
gnomAD v4.1: 1 of 1,571,904 alleles (0.000064%); highest among the groups gnomAD compares: Non-Finnish European, 0.000086%; no homozygotes.

Submission:

NIHR Bioresource Rare Diseases, University of Cambridge
Classification: Uncertain significance for Gray platelet syndrome. Last evaluated: 2020-03-01. Review status: criteria provided, single submitter. Criteria: ACMG Guidelines, 2015. Collection method: research. Allele origin: unknown. Inheritance: Autosomal recessive inheritance. Affected: yes. Observed: 1 compound heterozygote.
Comment: ACMG criteria: PM2, PP4

Literature cited by the submitters: PubMed 32693407.